The following is an entry in ClinVar:

NM_000094.4(COL7A1):c.1781-1G>C

Gene: COL7A1 (collagen type VII alpha 1 chain; minus strand). Cytogenetic location: 3p21.31.
Variant type: single nucleotide variant.
Coding change: c.1781-1G>C on transcript NM_000094.4 (MANE Select); the canonical splice acceptor site of the intron before coding-DNA position 1781, G replaced by C.
Molecular consequence: splice acceptor variant.
Genome position (GRCh38, 1-based): chr3:48,590,585, C>G on the plus strand (G>C on the coding strand, the complement: COL7A1 is on the minus strand). VCF-style: chr3-48590585-C-G. GRCh37 (hg19) VCF-style: chr3-48628018-C-G.
Identifiers: ClinVar variation 449471 (VCV000449471.3), dbSNP rs1553614878, ClinGen allele CA352728973.

ClinVar aggregate classification (germline): Pathogenic (1 of 4 stars; one submission).

Submission:

GeneDx
Classification: Pathogenic. Last evaluated: 2020-07-13. Review status: criteria provided, single submitter. Criteria: GeneDx Variant Classification Process June 2021. Collection method: clinical testing. Allele origin: germline. Affected: yes.
Comment: Not observed in large population cohorts (Lek et al., 2016); This variant is associated with the following publications: (PMID: 25525159, 10504458)